The following is an entry in ClinVar:

NM_001365715.1(LRCH3):c.443G>A (p.Cys148Tyr)

Gene: LRCH3 (leucine rich repeats and calponin homology domain containing 3; plus strand). Cytogenetic location: 3q29.
Variant type: single nucleotide variant.
Coding change: c.443G>A on transcript NM_001365715.1 (MANE Select); coding-DNA position 443, G replaced by A.
Protein change: p.Cys148Tyr; replaces cysteine 148 with tyrosine.
Molecular consequence: missense variant. On other transcripts: non-coding transcript variant (1).
Genome position (GRCh38, 1-based): chr3:197,817,211, G>A. VCF-style: chr3-197817211-G-A. GRCh37 (hg19) VCF-style: chr3-197544082-G-A.
Other names: c.443G>A, p.Cys148Tyr (NM_001363887.1, NM_001365716.1, NM_001365717.1 and 3 more transcripts); short protein forms C148Y.
Identifiers: ClinVar variation 3033723 (VCV003033723.2), dbSNP rs150956786, ClinGen allele CA2787932.
Genomic context (GRCh38, chr3:197,817,211, plus strand): 5'-TCTCTCTTTCTACTTACCCATTTAGTCGGAACCAACTGTCAACATTGCCGGTACACTTGT[G>A]TAATTTGCCATTGAAAGTCTTAATTGCTAGTAATAACAAATTGGTGTCACTTCCAGAAGA-3'
Protein context (NP_001352644.1, residues 138-158): NQLSTLPVHL[Cys148Tyr]NLPLKVLIAS

ClinVar aggregate classification (germline): Likely benign (0 of 4 stars; one submission).

Conditions:
LRCH3-related disorder. Also called: LRCH3-related condition.

Allele frequency attached by ClinVar (database versions not stated): 1000 Genomes Project 0.00020; 1000 Genomes Project 30x 0.00031; ExAC 0.00059; ESP Exome Variant Server 0.00085; gnomAD 0.00094; TOPMed 0.00095; gnomAD exomes 0.00146.
gnomAD v4.1: 2,267 of 1,606,238 alleles (0.14%); highest among the groups gnomAD compares: Non-Finnish European, 0.18%; 3 homozygotes.

Submission:

PreventionGenetics, part of Exact Sciences
Classification: Likely benign for LRCH3-related condition. Last evaluated: 2022-02-10. Review status: no assertion criteria provided. Collection method: clinical testing. Allele origin: germline.
Comment: This variant is classified as likely benign based on ACMG/AMP sequence variant interpretation guidelines (Richards et al. 2015 PMID: 25741868, with internal and published modifications).